The following is an entry in ClinVar:

NM_153717.3(EVC):c.2677_2688+7del

Gene: EVC (EvC ciliary complex subunit 1; plus strand). Cytogenetic location: 4p16.2.
Variant type: Deletion.
Coding change: c.2677_2688+7del on transcript NM_153717.3 (MANE Select); coding-DNA position 2677 through 7 bases into the intron after coding-DNA position 2688, 19 bases deleted (ACCCAGCTACAGGTACAAG).
Molecular consequence: splice donor variant.
Genome position (GRCh38, 1-based): chr4:5,808,316-5,808,334, ACCCAGCTACAGGTACAAG deleted; deleting any 19 consecutive bases within chr4:5,808,314-5,808,334 gives the same sequence; the c. name uses the placement nearest the transcript's 3' end. VCF-style (leftmost placement, unchanged base first): chr4-5808313-GAGACCCAGCTACAGGTACA-G. GRCh37 (hg19) VCF-style: chr4-5810040-GAGACCCAGCTACAGGTACA-G.
Other names: c.2677_2688+7del (NM_001306090.2).
Identifiers: ClinVar variation 1067321 (VCV001067321.8), dbSNP rs2152387946, ClinGen allele CA2499217320.

ClinVar aggregate classification (germline): Likely pathogenic (1 of 4 stars; one submission).

Conditions:
Curry-Hall syndrome (WAD). Also called: WEYERS ACRODENTAL DYSOSTOSIS. Identifiers: Orphanet 952, MedGen C0457013, MONDO:0008673, OMIM 193530.
Ellis-van Creveld syndrome (EVC). Also called: EVC-Related Ellis-van Creveld Syndrome; EVC2-Related Ellis-van Creveld Syndrome; MESOECTODERMAL DYSPLASIA; Chondroectodermal dysplasia. Identifiers: Orphanet 289, MedGen C0013903, MONDO:0009162, OMIM 225500.

Submission:

Labcorp Genetics (formerly Invitae), Labcorp
Classification: Likely pathogenic for Curry-Hall syndrome; Ellis-van Creveld syndrome. Last evaluated: 2020-05-15. Review status: criteria provided, single submitter. Criteria: Invitae Variant Classification Sherloc (09022015). Collection method: clinical testing. Allele origin: germline.
Comment: Algorithms developed to predict the effect of sequence changes on RNA splicing suggest that this variant may disrupt the consensus splice site, but this prediction has not been confirmed by published transcriptional studies. Loss-of-function variants in EVC are known to be pathogenic (PMID: 23220543). In summary, the currently available evidence indicates that the variant is pathogenic, but additional data are needed to prove that conclusively. Therefore, this variant has been classified as Likely Pathogenic. This variant has not been reported in the literature in individuals with EVC-related conditions. This variant results in the deletion of part of exon 18 (c.2677_2688+7del) of the EVC gene. It is expected to disrupt RNA splicing and likely results in an absent or disrupted protein product. This variant is not present in population databases (ExAC no frequency).

Literature cited by the submitters: PubMed 23220543.